The following is an entry in ClinVar:

NM_001164508.2(NEB):c.5720T>G (p.Met1907Arg)

Gene: NEB (nebulin; minus strand). Cytogenetic location: 2q23.3.
Variant type: single nucleotide variant.
Coding change: c.5720T>G on transcript NM_001164508.2 (MANE Select); coding-DNA position 5720, T replaced by G.
Protein change: p.Met1907Arg; replaces methionine 1907 with arginine.
Molecular consequence: missense variant.
Genome position (GRCh38, 1-based): chr2:151,663,591, A>C on the plus strand (T>G on the coding strand, the complement: NEB is on the minus strand). VCF-style: chr2-151663591-A-C. GRCh37 (hg19) VCF-style: chr2-152520105-A-C.
Other names: c.5720T>G, p.Met1907Arg (NM_004543.5, NM_001164507.2, NM_001271208.2); short protein forms M1907R.
Identifiers: ClinVar variation 1896715 (VCV001896715.2), dbSNP rs2099170692, ClinGen allele CA348807484.

ClinVar aggregate classification (germline): Uncertain significance (1 of 4 stars; one submission).

Conditions:
Nemaline myopathy 2 (NEM2). Also called: Nemaline myopathy 2, autosomal recessive. Identifiers: MedGen C1850569, MONDO:0009725, OMIM 256030.

Submission:

Labcorp Genetics (formerly Invitae), Labcorp
Classification: Uncertain significance for Nemaline myopathy 2. Last evaluated: 2021-11-16. Review status: criteria provided, single submitter. Criteria: Invitae Variant Classification Sherloc (09022015). Collection method: clinical testing. Allele origin: germline.
Comment: This sequence change replaces methionine, which is neutral and non-polar, with arginine, which is basic and polar, at codon 1907 of the NEB protein (p.Met1907Arg). This variant is not present in population databases (gnomAD no frequency). This variant has not been reported in the literature in individuals affected with NEB-related conditions. Algorithms developed to predict the effect of missense changes on protein structure and function are either unavailable or do not agree on the potential impact of this missense change (SIFT: "Deleterious"; PolyPhen-2: "Not Available"; Align-GVGD: "Class C0"). Algorithms developed to predict the effect of sequence changes on RNA splicing suggest that this variant may create or strengthen a splice site. In summary, the available evidence is currently insufficient to determine the role of this variant in disease. Therefore, it has been classified as a Variant of Uncertain Significance.